The following is an entry in ClinVar:

ClinVar aggregate classification (germline): Uncertain significance (1 of 4 stars; one submission).

Conditions:
Myopathy, proximal, and ophthalmoplegia (CMYO6). Also called: CONGENITAL MYOPATHY 6 WITH OPHTHALMOPLEGIA; INCLUSION BODY MYOPATHY 3, AUTOSOMAL DOMINANT; MYOPATHY WITH CONGENITAL JOINT CONTRACTURES, OPHTHALMOPLEGIA, AND RIMMED VACUOLES. Identifiers: Orphanet 363677, Orphanet 79091, MedGen C1854106, MONDO:0011577, OMIM 605637.

Allele frequency attached by ClinVar (database versions not stated): gnomAD exomes below 0.00001 and 0.00002; ExAC 0.00001; gnomAD 0.00002; TOPMed 0.00003.
gnomAD v4.1: 5 of 1,614,044 alleles (0.00031%); highest among the groups gnomAD compares: African/African-American, 0.0067%; no homozygotes.

Submission:

Labcorp Genetics (formerly Invitae), Labcorp
Classification: Uncertain significance for Myopathy, proximal, and ophthalmoplegia. Last evaluated: 2022-03-26. Review status: criteria provided, single submitter. Criteria: Invitae Variant Classification Sherloc (09022015). Collection method: clinical testing. Allele origin: germline.
Comment: This sequence change falls in intron 37 of the MYH2 gene. It does not directly change the encoded amino acid sequence of the MYH2 protein. It affects a nucleotide within the consensus splice site. This variant is present in population databases (rs765560187, gnomAD 0.02%). This variant has not been reported in the literature in individuals affected with MYH2-related conditions. Variants that disrupt the consensus splice site are a relatively common cause of aberrant splicing (PMID: 17576681, 9536098). Algorithms developed to predict the effect of sequence changes on RNA splicing suggest that this variant may disrupt the consensus splice site. In summary, the available evidence is currently insufficient to determine the role of this variant in disease. Therefore, it has been classified as a Variant of Uncertain Significance.

Literature cited by the submitters: PubMed 17576681; PubMed 9536098.

NM_017534.6(MYH2):c.5472+5G>A

Genes: MYH2 (myosin heavy chain 2; minus strand), MYHAS (myosin heavy chain gene cluster antisense RNA; plus strand). Cytogenetic location: 17p13.1.
Variant type: single nucleotide variant.
Coding change: c.5472+5G>A on transcript NM_017534.6 (MANE Select); 5 bases into the intron after coding-DNA position 5472, G replaced by A.
Molecular consequence: intron variant.
Genome position (GRCh38, 1-based): chr17:10,523,491, C>T on the plus strand (G>A on the coding strand, the complement: MYH2 is on the minus strand). VCF-style: chr17-10523491-C-T. GRCh37 (hg19) VCF-style: chr17-10426808-C-T.
Other names: c.5472+5G>A (NM_001100112.2).
Identifiers: ClinVar variation 1393588 (VCV001393588.6), dbSNP rs765560187, ClinGen allele CA8390395.